The following is an entry in ClinVar:

NM_004370.6(COL12A1):c.8962G>C (p.Glu2988Gln)

Gene: COL12A1 (collagen type XII alpha 1 chain; minus strand). Cytogenetic location: 6q13.
Variant type: single nucleotide variant.
Coding change: c.8962G>C on transcript NM_004370.6 (MANE Select); coding-DNA position 8962, G replaced by C.
Protein change: p.Glu2988Gln; replaces glutamic acid 2988 with glutamine.
Molecular consequence: missense variant.
Genome position (GRCh38, 1-based): chr6:75,089,154, C>G on the plus strand (G>C on the coding strand, the complement: COL12A1 is on the minus strand). VCF-style: chr6-75089154-C-G. GRCh37 (hg19) VCF-style: chr6-75798870-C-G.
Other names: c.8941G>C, p.Glu2981Gln (NM_001424114.1); c.8689G>C, p.Glu2897Gln (NM_001424115.1); c.5470G>C, p.Glu1824Gln (NM_001424116.1, NM_080645.3); c.8962G>C, p.Glu2988Gln (NM_001424113.1); short protein forms E2897Q, E2981Q, E2988Q, E1824Q.
Identifiers: ClinVar variation 4784468 (VCV004784468.1).

ClinVar aggregate classification (germline): Uncertain significance (1 of 4 stars; one submission).

Conditions:
Ullrich congenital muscular dystrophy 2 (UCMD2). Identifiers: Orphanet 75840, MedGen C4225314, MONDO:0014654, OMIM 616470.
Bethlem myopathy 2 (BTHLM2). Identifiers: Orphanet 536516, Orphanet 610, MedGen C4225313, MONDO:0034022, OMIM 616471.

Submission:

Labcorp Genetics (formerly Invitae), Labcorp
Classification: Uncertain significance for Bethlem myopathy 2; Ullrich congenital muscular dystrophy 2. Last evaluated: 2025-09-02. Review status: criteria provided, single submitter. Criteria: Invitae Variant Classification Sherloc (09022015). Collection method: clinical testing. Allele origin: germline.
Comment: This sequence change replaces glutamic acid, which is acidic and polar, with glutamine, which is neutral and polar, at codon 2988 of the COL12A1 protein (p.Glu2988Gln). This variant is not present in population databases (gnomAD no frequency). This variant has not been reported in the literature in individuals affected with COL12A1-related conditions. An algorithm developed to predict the effect of missense changes on protein structure and function (PolyPhen-2) suggests that this variant is likely to be disruptive. In summary, the available evidence is currently insufficient to determine the role of this variant in disease. Therefore, it has been classified as a Variant of Uncertain Significance.